The following is an entry in ClinVar:

ClinVar aggregate classification (germline): Uncertain significance (1 of 4 stars; one submission).

Allele frequency attached by ClinVar (database versions not stated): gnomAD exomes 0.00009 and 0.00022; ExAC 0.00011; TOPMed 0.00012; gnomAD 0.00013 and 0.00014; ESP Exome Variant Server 0.00046.
gnomAD v4.1: 326 of 1,558,182 alleles (0.021%); highest among the groups gnomAD compares: Non-Finnish European, 0.027%; no homozygotes.

Submission:

Labcorp Genetics (formerly Invitae), Labcorp
Classification: Uncertain significance. Last evaluated: 2022-03-08. Review status: criteria provided, single submitter. Criteria: Invitae Variant Classification Sherloc (09022015). Collection method: clinical testing. Allele origin: germline.
Comment: This variant has not been reported in the literature in individuals affected with VPS13C-related conditions. In summary, the available evidence is currently insufficient to determine the role of this variant in disease. Therefore, it has been classified as a Variant of Uncertain Significance. Algorithms developed to predict the effect of missense changes on protein structure and function are either unavailable or do not agree on the potential impact of this missense change (SIFT: "Deleterious"; PolyPhen-2: "Probably Damaging"; Align-GVGD: "Class C0"). This variant is present in population databases (rs142572498, gnomAD 0.02%). This sequence change replaces leucine, which is neutral and non-polar, with serine, which is neutral and polar, at codon 3204 of the VPS13C protein (p.Leu3204Ser).

NM_020821.3(VPS13C):c.9611T>C (p.Leu3204Ser)

Gene: VPS13C (vacuolar protein sorting 13 homolog C; minus strand). Cytogenetic location: 15q22.2.
Variant type: single nucleotide variant.
Coding change: c.9611T>C on transcript NM_020821.3 (MANE Select); coding-DNA position 9611, T replaced by C.
Protein change: p.Leu3204Ser; replaces leucine 3204 with serine.
Molecular consequence: missense variant.
Genome position (GRCh38, 1-based): chr15:61,882,609, A>G on the plus strand (T>C on the coding strand, the complement: VPS13C is on the minus strand). VCF-style: chr15-61882609-A-G. GRCh37 (hg19) VCF-style: chr15-62174808-A-G.
Other names: c.9611T>C, p.Leu3204Ser (NM_001018088.3); c.9482T>C, p.Leu3161Ser (NM_017684.5, NM_018080.4); short protein forms L3161S, L3204S.
Identifiers: ClinVar variation 1404462 (VCV001404462.4), dbSNP rs142572498, ClinGen allele CA7594603.